The following is an entry in ClinVar:

NM_000426.4(LAMA2):c.6196A>T (p.Lys2066Ter)

Genes: LAMA2 (laminin subunit alpha 2; plus strand), LOC123864065 (Sharpr-MPRA regulatory region 661; plus strand). Cytogenetic location: 6q22.33.
Variant type: single nucleotide variant.
Coding change: c.6196A>T on transcript NM_000426.4 (MANE Select); coding-DNA position 6196, A replaced by T.
Protein change: p.Lys2066Ter; replaces lysine 2066 with a stop codon.
Molecular consequence: nonsense.
Genome position (GRCh38, 1-based): chr6:129,440,926, A>T. VCF-style: chr6-129440926-A-T. GRCh37 (hg19) VCF-style: chr6-129762071-A-T.
Other names: c.6196A>T, p.Lys2066Ter (NM_001079823.2); short protein forms K2066*.
Identifiers: ClinVar variation 802266 (VCV000802266.4), dbSNP rs1583756552, ClinGen allele CA365629422.

ClinVar aggregate classification (germline): Pathogenic. Review status: criteria provided, multiple submitters, no conflicts (2 of 4 stars). 2 submissions from 2 submitters: Pathogenic (2). Last evaluated 2023-04-11.

Conditions:
LAMA2-related muscular dystrophy (LAMA2-RD). Also called: Laminin alpha 2-related dystrophy. Identifiers: MedGen C5679788, MONDO:0100228.
Merosin deficient congenital muscular dystrophy (MDC1A). Also called: Congenital Muscular Dystrophy Type 1A (MDC1A); Congenital merosin-deficient muscular dystrophy 1A. Identifiers: Orphanet 258, MedGen C1263858, MONDO:0011925, OMIM 607855.

Submissions (2):

Labcorp Genetics (formerly Invitae), Labcorp
Classification: Pathogenic for LAMA2-related muscular dystrophy. Last evaluated: 2023-04-11. Review status: criteria provided, single submitter. Criteria: Invitae Variant Classification Sherloc (09022015). Collection method: clinical testing. Allele origin: germline.
Comment: This variant is not present in population databases (gnomAD no frequency). This sequence change creates a premature translational stop signal (p.Lys2066*) in the LAMA2 gene. It is expected to result in an absent or disrupted protein product. Loss-of-function variants in LAMA2 are known to be pathogenic (PMID: 18700894, 32904964). This variant has not been reported in the literature in individuals affected with LAMA2-related conditions. For these reasons, this variant has been classified as Pathogenic. ClinVar contains an entry for this variant (Variation ID: 802266).

Mendelics
Classification: Pathogenic for Merosin deficient congenital muscular dystrophy. Last evaluated: 2019-05-28. Review status: criteria provided, single submitter. Criteria: Mendelics Assertion Criteria 2017. Collection method: clinical testing. Allele origin: unknown.

Literature cited by the submitters: PubMed 18700894 (cited by Labcorp Genetics (formerly Invitae), Labcorp); PubMed 32904964 (cited by Labcorp Genetics (formerly Invitae), Labcorp).